The following is an entry in ClinVar:

NM_002878.4(RAD51D):c.560G>A (p.Gly187Asp)

Genes: RAD51L3-RFFL (RAD51L3-RFFL readthrough; minus strand), RAD51D (RAD51 paralog D; minus strand). Cytogenetic location: 17q12.
Variant type: single nucleotide variant.
Coding change: c.560G>A on transcript NM_002878.4 (MANE Select); coding-DNA position 560, G replaced by A.
Protein change: p.Gly187Asp; replaces glycine 187 with aspartic acid.
Molecular consequence: missense variant. On other transcripts: non-coding transcript variant (3).
Genome position (GRCh38, 1-based): chr17:35,106,402, C>T on the plus strand (G>A on the coding strand, the complement: RAD51D is on the minus strand). VCF-style: chr17-35106402-C-T. GRCh37 (hg19) VCF-style: chr17-33433421-C-T.
Other names: c.620G>A, p.Gly207Asp (NM_001142571.2); c.224G>A, p.Gly75Asp (NM_133629.3); short protein forms G187D, G207D, G75D.
Identifiers: ClinVar variation 936234 (VCV000936234.10), dbSNP rs2091603358, ClinGen allele CA399088596.

ClinVar aggregate classification (germline): Uncertain significance. Review status: criteria provided, multiple submitters, no conflicts (2 of 4 stars). 2 submissions from 2 submitters: Uncertain significance (2). Last evaluated 2025-08-01.

Conditions:
Breast-ovarian cancer, familial, susceptibility to, 4. Identifiers: Orphanet 145, MedGen C3280345, MONDO:0013669, OMIM 614291.
Hereditary cancer-predisposing syndrome. Also called: Tumor predisposition; Hereditary neoplastic syndrome; Hereditary Cancer Syndrome; Neoplastic Syndromes, Hereditary. Identifiers: Orphanet 140162, MedGen C0027672, MeSH D009386, MONDO:0015356.

Submissions (2):

Ambry Genetics
Classification: Uncertain significance for Hereditary cancer-predisposing syndrome. Last evaluated: 2025-08-01. Review status: criteria provided, single submitter. Criteria: Ambry Variant Classification Scheme 2023. Collection method: clinical testing. Allele origin: germline.
Comment: The p.G187D variant (also known as c.560G>A), located in coding exon 6 of the RAD51D gene, results from a G to A substitution at nucleotide position 560. The glycine at codon 187 is replaced by aspartic acid, an amino acid with similar properties. This amino acid position is conserved. In addition, this alteration is predicted to be tolerated by in silico analysis. Since supporting evidence is limited at this time, the clinical significance of this alteration remains unclear.

Labcorp Genetics (formerly Invitae), Labcorp
Classification: Uncertain significance for Breast-ovarian cancer, familial, susceptibility to, 4. Last evaluated: 2024-04-01. Review status: criteria provided, single submitter. Criteria: Invitae Variant Classification Sherloc (09022015). Collection method: clinical testing. Allele origin: germline.
Comment: This sequence change replaces glycine, which is neutral and non-polar, with aspartic acid, which is acidic and polar, at codon 187 of the RAD51D protein (p.Gly187Asp). This variant is not present in population databases (gnomAD no frequency). This variant has not been reported in the literature in individuals affected with RAD51D-related conditions. ClinVar contains an entry for this variant (Variation ID: 936234). Advanced modeling of protein sequence and biophysical properties (such as structural, functional, and spatial information, amino acid conservation, physicochemical variation, residue mobility, and thermodynamic stability) performed at Invitae indicates that this missense variant is not expected to disrupt RAD51D protein function with a negative predictive value of 80%. In summary, the available evidence is currently insufficient to determine the role of this variant in disease. Therefore, it has been classified as a Variant of Uncertain Significance.